The following is an entry in ClinVar:

NM_002067.5(GNA11):c.980A>G (p.His327Arg)

Gene: GNA11 (G protein subunit alpha 11; plus strand). Cytogenetic location: 19p13.3.
Variant type: single nucleotide variant.
Coding change: c.980A>G on transcript NM_002067.5 (MANE Select); coding-DNA position 980, A replaced by G.
Protein change: p.His327Arg; replaces histidine 327 with arginine.
Molecular consequence: missense variant.
Genome position (GRCh38, 1-based): chr19:3,121,079, A>G. VCF-style: chr19-3121079-A-G. GRCh37 (hg19) VCF-style: chr19-3121077-A-G.
Other names: short protein forms H327R.
Identifiers: ClinVar variation 4532712 (VCV004532712.1).

ClinVar aggregate classification (germline): Uncertain significance (1 of 4 stars; one submission).

Submission:

GeneDx
Classification: Uncertain significance. Last evaluated: 2025-05-28. Review status: criteria provided, single submitter. Criteria: GeneDx Variant Classification Process June 2021. Collection method: clinical testing. Allele origin: germline. Affected: yes.
Comment: Not observed at significant frequency in large population cohorts (gnomAD); In silico analysis supports that this missense variant has a deleterious effect on protein structure/function; Has not been previously published as pathogenic or benign to our knowledge